The following is an entry in ClinVar:

Conditions:
Breast-ovarian cancer, familial, susceptibility to, 1 (BROVCA1). Also called: BRCA1 Hereditary Breast and Ovarian Cancer; OVARIAN CANCER, SUSCEPTIBILITY TO. Identifiers: Orphanet 145, MedGen C2676676, MONDO:0011450, OMIM 604370. Disease mechanism: loss of function.

Submission:

Brotman Baty Institute, University of Washington
No classification provided (evidence only). Condition: Breast-ovarian cancer, familial 1. Review status: no classification provided. Collection method: in vitro. Allele origin: not applicable. Functional consequence: functionally_normal.
ClinVar note: "not provided" was previously submitted as the classification for the variant. However, the classification appeared to be based only on an observation of functional data so it was converted to no classification on 2025-07-30.

NM_007294.4(BRCA1):c.5310G>T (p.Gly1770=)

Gene: BRCA1 (BRCA1 DNA repair associated; minus strand). Cytogenetic location: 17q21.31.
Variant type: single nucleotide variant.
Coding change: c.5310G>T on transcript NM_007294.4 (MANE Select); coding-DNA position 5310, G replaced by T.
Protein change: p.Gly1770=; no amino-acid change (glycine 1770 retained).
Molecular consequence: synonymous variant. On other transcripts: intron variant (2).
Genome position (GRCh38, 1-based): chr17:43,051,085, C>A on the plus strand (G>T on the coding strand, the complement: BRCA1 is on the minus strand). VCF-style: chr17-43051085-C-A. GRCh37 (hg19) VCF-style: chr17-41203102-C-A.
Other names: c.5097G>T, p.Gly1699= (NM_001407571.1, NM_001407894.1, NM_001407895.1 and 12 more transcripts); c.5376G>T, p.Gly1792= (NM_001407581.1, NM_001407582.1); c.5373G>T, p.Gly1791= (NM_001407583.1, NM_001407585.1, NM_001407587.1 and 1 more transcripts); c.5370G>T, p.Gly1790= (NM_001407590.1, NM_001407591.1); c.5310G>T, p.Gly1770= (NM_001407593.1, NM_001407594.1, NM_001407596.1 and 6 more transcripts); c.5307G>T, p.Gly1769= (NM_001407610.1, NM_001407611.1, NM_001407612.1 and 17 more transcripts); c.5304G>T, p.Gly1768= (NM_001407627.1, NM_001407628.1, NM_001407629.1 and 14 more transcripts); c.5301G>T, p.Gly1767= (NM_001407644.1, NM_001407645.1); and 74 more.
Identifiers: ClinVar variation 867981 (VCV000867981.3), dbSNP rs273901761, ClinGen allele CA500143589.